The following is an entry in ClinVar:

NM_014476.6(PDLIM3):c.923C>T (p.Ala308Val)

Gene: PDLIM3 (PDZ and LIM domain 3; minus strand). Cytogenetic location: 4q35.1.
Variant type: single nucleotide variant.
Coding change: c.923C>T on transcript NM_014476.6 (MANE Select); coding-DNA position 923, C replaced by T.
Protein change: p.Ala308Val; replaces alanine 308 with valine.
Molecular consequence: missense variant. On other transcripts: non-coding transcript variant (1).
Genome position (GRCh38, 1-based): chr4:185,502,466, G>A on the plus strand (C>T on the coding strand, the complement: PDLIM3 is on the minus strand). VCF-style: chr4-185502466-G-A. GRCh37 (hg19) VCF-style: chr4-186423620-G-A.
Other names: c.779C>T, p.Ala260Val (NM_001114107.5); c.659C>T, p.Ala220Val (NM_001257962.2); c.422C>T, p.Ala141Val (NM_001257963.2); c.923C>T (NM_014476.4); short protein forms A220V, A308V, A141V, A260V.
Identifiers: ClinVar variation 2937189 (VCV002937189.4), dbSNP rs774383499, ClinGen allele CA3159635.

ClinVar aggregate classification (germline): Uncertain significance. Review status: criteria provided, multiple submitters, no conflicts (2 of 4 stars). 2 submissions from 2 submitters: Uncertain significance (2). Last evaluated 2024-03-27.

Conditions:
Primary dilated cardiomyopathy (DCM). Also called: Dilated Cardiomyopathy. Identifiers: Orphanet 217604, MedGen C0007193, MeSH D002311, MONDO:0005021, HP:0001644. Inheritance: Various modes of inheritance.
Hypertrophic cardiomyopathy. Also called: HYPERTROPHIC MYOCARDIOPATHY. Identifiers: Orphanet 217569, MedGen C0007194, MeSH D002312, MONDO:0005045, HP:0001639.

Allele frequency attached by ClinVar (database versions not stated): gnomAD 0.00001; TOPMed 0.00001; ExAC 0.00002.
gnomAD v4.1: 10 of 1,613,962 alleles (0.00062%); highest among the groups gnomAD compares: East Asian, 0.0022%; no homozygotes.

Submissions (2):

Ambry Genetics
Classification: Uncertain significance. Last evaluated: 2024-03-27. Review status: criteria provided, single submitter. Criteria: Ambry Variant Classification Scheme 2023. Collection method: clinical testing. Allele origin: germline.
Comment: The p.A308V variant (also known as c.923C>T), located in coding exon 8 of the PDLIM3 gene, results from a C to T substitution at nucleotide position 923. The alanine at codon 308 is replaced by valine, an amino acid with similar properties. This amino acid position is conserved. In addition, the in silico prediction for this alteration is inconclusive. Based on the available evidence, the clinical significance of this alteration remains unclear.

Labcorp Genetics (formerly Invitae), Labcorp
Classification: Uncertain significance for Hypertrophic cardiomyopathy; Primary dilated cardiomyopathy. Last evaluated: 2023-05-05. Review status: criteria provided, single submitter. Criteria: Invitae Variant Classification Sherloc (09022015). Collection method: clinical testing. Allele origin: germline.
Comment: In summary, the available evidence is currently insufficient to determine the role of this variant in disease. Therefore, it has been classified as a Variant of Uncertain Significance. Advanced modeling of protein sequence and biophysical properties (such as structural, functional, and spatial information, amino acid conservation, physicochemical variation, residue mobility, and thermodynamic stability) performed at Invitae indicates that this missense variant is not expected to disrupt PDLIM3 protein function. This variant has not been reported in the literature in individuals affected with PDLIM3-related conditions. This variant is present in population databases (rs774383499, gnomAD 0.006%). This sequence change replaces alanine, which is neutral and non-polar, with valine, which is neutral and non-polar, at codon 308 of the PDLIM3 protein (p.Ala308Val).